The following is an entry in ClinVar:

NM_198904.4(GABRG2):c.880T>C (p.Phe294Leu)

Gene: GABRG2 (gamma-aminobutyric acid type A receptor subunit gamma2; plus strand). Cytogenetic location: 5q34.
Variant type: single nucleotide variant.
Coding change: c.880T>C on transcript NM_198904.4 (MANE Select); coding-DNA position 880, T replaced by C.
Protein change: p.Phe294Leu; replaces phenylalanine 294 with leucine.
Molecular consequence: missense variant.
Genome position (GRCh38, 1-based): chr5:162,142,274, T>C. VCF-style: chr5-162142274-T-C. GRCh37 (hg19) VCF-style: chr5-161569280-T-C.
Other names: c.880T>C, p.Phe294Leu (NM_000816.3, NM_001375340.1); c.871T>C, p.Phe291Leu (NM_001375339.1); c.877T>C, p.Phe293Leu (NM_001375341.1, NM_001375342.1); c.1000T>C, p.Phe334Leu (NM_001375343.1, NM_198903.2); c.919T>C, p.Phe307Leu (NM_001375344.1); c.814T>C, p.Phe272Leu (NM_001375345.1, NM_001375346.1); c.793T>C, p.Phe265Leu (NM_001375347.1); c.460T>C, p.Phe154Leu (NM_001375348.1, NM_001375350.1); and 1 more; short protein forms F154L, F199L, F265L, F272L, F291L, F293L, F294L, F307L.
Identifiers: ClinVar variation 4282048 (VCV004282048.1).

ClinVar aggregate classification (germline): Uncertain significance (1 of 4 stars; one submission).

Submission:

GeneDx
Classification: Uncertain significance. Last evaluated: 2025-04-10. Review status: criteria provided, single submitter. Criteria: GeneDx Variant Classification Process June 2021. Collection method: clinical testing. Allele origin: germline. Affected: yes.
Comment: Not observed at significant frequency in large population cohorts (gnomAD); In silico analysis supports that this missense variant has a deleterious effect on protein structure/function; Has not been previously published as pathogenic or benign to our knowledge